The following is an entry in ClinVar:

NM_000038.6(APC):c.822T>C (p.Ser274=)

Gene: APC (APC regulator of Wnt signaling pathway; plus strand). Cytogenetic location: 5q22.2.
Variant type: single nucleotide variant.
Coding change: c.822T>C on transcript NM_000038.6 (MANE Select); coding-DNA position 822, T replaced by C.
Protein change: p.Ser274=; no amino-acid change (serine 274 retained).
Molecular consequence: synonymous variant. On other transcripts: 5 prime UTR variant (1).
Genome position (GRCh38, 1-based): chr5:112,801,371, T>C. VCF-style: chr5-112801371-T-C. GRCh37 (hg19) VCF-style: chr5-112137068-T-C.
Other names: c.822T>C, p.Ser274= (NM_001127510.3, NM_001354895.2, NM_001354896.2 and 1 more transcripts); c.768T>C, p.Ser256= (NM_001127511.3); c.852T>C, p.Ser284= (NM_001354897.2, NM_001354902.2); c.747T>C, p.Ser249= (NM_001354898.2, NM_001354904.2); c.738T>C, p.Ser246= (NM_001354899.2); c.645T>C, p.Ser215= (NM_001354900.2, NM_001354901.2, NM_001354905.2); c.-214T>C (NM_001354906.2).
Identifiers: ClinVar variation 184696 (VCV000184696.18), dbSNP rs776589022, ClinGen allele CA014441.

ClinVar aggregate classification (germline): Benign/Likely benign. Review status: criteria provided, multiple submitters, no conflicts (2 of 4 stars). 5 submissions from 5 submitters: Benign (1); Likely benign (4). Last evaluated 2024-02-27.

Conditions:
Hereditary cancer-predisposing syndrome. Also called: Hereditary neoplastic syndrome; Neoplastic Syndromes, Hereditary; Tumor predisposition; Hereditary Cancer Syndrome. Identifiers: Orphanet 140162, MedGen C0027672, MeSH D009386, MONDO:0015356.
Familial adenomatous polyposis 1 (FAP1). Also called: FAMILIAL ADENOMATOUS POLYPOSIS 1, ATTENUATED; POLYPOSIS, ADENOMATOUS INTESTINAL. Identifiers: MedGen C2713442, MONDO:0021056, OMIM 175100. Disease mechanism: loss of function.

Submissions (5):

Myriad Genetics, Inc.
Classification: Benign for Familial adenomatous polyposis 1. Last evaluated: 2024-02-27. Review status: criteria provided, single submitter. Criteria: Myriad Autosomal Dominant, Autosomal Recessive and X-Linked Classification Criteria (2023). Collection method: clinical testing. Allele origin: unknown.
Comment: This variant is considered benign. This variant is a silent/synonymous amino acid change and it is not expected to impact splicing.

Labcorp Genetics (formerly Invitae), Labcorp
Classification: Likely benign for Familial adenomatous polyposis 1. Last evaluated: 2023-02-24. Review status: criteria provided, single submitter. Criteria: Invitae Variant Classification Sherloc (09022015). Collection method: clinical testing. Allele origin: germline.

Color Diagnostics, LLC DBA Color Health
Classification: Likely benign for Hereditary cancer-predisposing syndrome. Last evaluated: 2021-11-02. Review status: criteria provided, single submitter. Criteria: ACMG Guidelines, 2015. Collection method: clinical testing. Allele origin: germline.

GeneDx
Classification: Likely benign. Last evaluated: 2018-05-02. Review status: criteria provided, single submitter. Criteria: GeneDx Variant Classification (06012015). Collection method: clinical testing. Allele origin: germline. Affected: yes.
Comment: This variant is considered likely benign or benign based on one or more of the following criteria: it is a conservative change, it occurs at a poorly conserved position in the protein, it is predicted to be benign by multiple in silico algorithms, and/or has population frequency not consistent with disease.

Ambry Genetics
Classification: Likely benign for Hereditary cancer-predisposing syndrome. Last evaluated: 2017-03-09. Review status: criteria provided, single submitter. Criteria: Ambry Variant Classification Scheme 2023. Collection method: clinical testing. Allele origin: germline.